The following is an entry in ClinVar:

NM_001939.3(DRP2):c.1357G>A (p.Ala453Thr)

Gene: DRP2 (dystrophin related protein 2; plus strand). Cytogenetic location: Xq22.1.
Variant type: single nucleotide variant.
Coding change: c.1357G>A on transcript NM_001939.3 (MANE Select); coding-DNA position 1357, G replaced by A.
Protein change: p.Ala453Thr; replaces alanine 453 with threonine.
Molecular consequence: missense variant.
Genome position (GRCh38, 1-based): chrX:101,248,193, G>A. VCF-style: chrX-101248193-G-A. GRCh37 (hg19) VCF-style: chrX-100503182-G-A.
Other names: c.1123G>A, p.Ala375Thr (NM_001171184.2); short protein forms A375T, A453T.
Identifiers: ClinVar variation 1719838 (VCV001719838.5), dbSNP rs2520277841, ClinGen allele CA413925922.

ClinVar aggregate classification (germline): Uncertain significance (1 of 4 stars; one submission).

Submission:

Labcorp Genetics (formerly Invitae), Labcorp
Classification: Uncertain significance. Last evaluated: 2022-07-19. Review status: criteria provided, single submitter. Criteria: Invitae Variant Classification Sherloc (09022015). Collection method: clinical testing. Allele origin: germline.
Comment: This sequence change replaces alanine, which is neutral and non-polar, with threonine, which is neutral and polar, at codon 453 of the DRP2 protein (p.Ala453Thr). This variant is not present in population databases (gnomAD no frequency). This variant has not been reported in the literature in individuals affected with DRP2-related conditions. Algorithms developed to predict the effect of missense changes on protein structure and function are either unavailable or do not agree on the potential impact of this missense change (SIFT: "Deleterious"; PolyPhen-2: "Benign"; Align-GVGD: "Class C0"). In summary, the available evidence is currently insufficient to determine the role of this variant in disease. Therefore, it has been classified as a Variant of Uncertain Significance.